The following is an entry in ClinVar:

ClinVar aggregate classification (germline): Conflicting classifications of pathogenicity. Review status: criteria provided, conflicting classifications (1 of 4 stars). 6 submissions from 6 submitters: Uncertain significance (5); Likely benign (1). Last evaluated 2024-11-27.

Conditions:
Proteinuria, chronic benign. Identifiers: MedGen C5394384, MONDO:0030042, OMIM 618884.
Imerslund-Grasbeck syndrome type 1 (IGS1). Also called: MEGALOBLASTIC ANEMIA, 1; Imerslund-Gräsbeck syndrome 1; Megaloblastic anemia 1, Finnish type. Identifiers: MedGen C4016819, MONDO:0100156, OMIM 261100.
CUBN-related disorder. Also called: CUBN-related condition.
Imerslund-Grasbeck syndrome. Also called: Megaloblastic anemia due to inborn errors of metabolism; Imerslund-Gräsbeck syndrome; ENTEROCYTE COBALAMIN MALABSORPTION; ENTEROCYTE INTRINSIC FACTOR RECEPTOR, DEFECT OF; PERNICIOUS ANEMIA, JUVENILE, DUE TO SELECTIVE INTESTINAL MALABSORPTION OF VITAMIN B12, WITH PROTEINURIA. Identifiers: Orphanet 35858, MedGen C4551825, MONDO:0009853.
Inborn genetic diseases. Identifiers: MedGen C0950123, MeSH D030342.

Allele frequency attached by ClinVar (database versions not stated): gnomAD exomes 0.00004 and 0.00010; ExAC 0.00007; gnomAD 0.00008 and 0.00009; TOPMed 0.00008.
gnomAD v4.1: 76 of 1,613,682 alleles (0.0047%); highest among the groups gnomAD compares: Admixed American, 0.0017%; no homozygotes.

Submissions (6):

PreventionGenetics, part of Exact Sciences
Classification: Likely benign for CUBN-related condition. Last evaluated: 2024-11-27. Review status: criteria provided, single submitter. Criteria: ACMG Guidelines, 2015. Collection method: clinical testing. Allele origin: germline.
Comment: This variant is classified as likely benign based on ACMG/AMP sequence variant interpretation guidelines (Richards et al. 2015 PMID: 25741868, with internal and published modifications).

Blueprint Genetics
Classification: Uncertain significance. Last evaluated: 2024-11-22. Review status: criteria provided, single submitter. Criteria: ACMG Guidelines, 2015. Collection method: clinical testing. Allele origin: germline.

Ambry Genetics
Classification: Uncertain significance for Inborn genetic diseases. Last evaluated: 2022-05-04. Review status: criteria provided, single submitter. Criteria: Ambry Variant Classification Scheme 2023. Collection method: clinical testing. Allele origin: germline.

Fulgent Genetics
Classification: Uncertain significance for Imerslund-Grasbeck syndrome type 1; Proteinuria, chronic benign. Last evaluated: 2022-04-08. Review status: criteria provided, single submitter. Criteria: ACMG Guidelines, 2015. Collection method: clinical testing. Allele origin: unknown.

Labcorp Genetics (formerly Invitae), Labcorp
Classification: Uncertain significance for Imerslund-Grasbeck syndrome. Last evaluated: 2021-08-27. Review status: criteria provided, single submitter. Criteria: Invitae Variant Classification Sherloc (09022015). Collection method: clinical testing. Allele origin: germline.

Illumina Laboratory Services, Illumina
Classification: Uncertain significance for Imerslund-Grasbeck syndrome type 1. Last evaluated: 2018-01-12. Review status: criteria provided, single submitter. Criteria: ICSL Variant Classification Criteria 13 December 2019. Collection method: clinical testing. Allele origin: germline.

NM_001081.4(CUBN):c.10736C>T (p.Ser3579Phe)

Gene: CUBN (cubilin; minus strand). Cytogenetic location: 10p13.
Variant type: single nucleotide variant.
Coding change: c.10736C>T on transcript NM_001081.4 (MANE Select); coding-DNA position 10736, C replaced by T.
Protein change: p.Ser3579Phe; replaces serine 3579 with phenylalanine.
Molecular consequence: missense variant.
Genome position (GRCh38, 1-based): chr10:16,828,833, G>A on the plus strand (C>T on the coding strand, the complement: CUBN is on the minus strand). VCF-style: chr10-16828833-G-A. GRCh37 (hg19) VCF-style: chr10-16870832-G-A.
Other names: short protein forms S3579F.
Identifiers: ClinVar variation 880058 (VCV000880058.13), dbSNP rs754645310, ClinGen allele CA5422309.
Genomic context (GRCh38, chr10:16,828,833, plus strand): 5'-AAATGGGAATATAAAATGTTTGTTTTACTCACGCCTCCGCAGTATGGTCCAGAGGATGGA[G>A]AGCTGGCGTTGGGCCCATCATAGAGTGTGAGATAGTTCTGGACACAGTCTCCTGGATCGT-3'
Protein context (NP_001072.2, residues 3569-3589): LTLYDGPNAS[Ser3579Phe]PSSGPYCGGD